The following is an entry in ClinVar:

ClinVar aggregate classification (germline): Benign. Review status: criteria provided, multiple submitters, no conflicts (2 of 4 stars). 2 submissions from 2 submitters: Benign (2). Last evaluated 2018-01-13.

Conditions:
Isolated focal non-epidermolytic palmoplantar keratoderma. Also called: Palmoplantar keratoderma, nonepidermolytic, focal 2. Identifiers: Orphanet 448264, MedGen C4225339, MONDO:0014622, OMIM 616400.

Allele frequency attached by ClinVar (database versions not stated): ExAC 0.00018; TOPMed 0.00036; gnomAD exomes 0.00016; ESP Exome Variant Server 0.00031; gnomAD 0.00037 and 0.00033.
gnomAD v4.1: 695 of 1,598,836 alleles (0.043%); highest among the groups gnomAD compares: Non-Finnish European, 0.054%; no homozygotes.

Submissions (2):

Illumina Laboratory Services, Illumina
Classification: Benign for Isolated focal non-epidermolytic palmoplantar keratoderma. Last evaluated: 2018-01-13. Review status: criteria provided, single submitter. Criteria: ICSL Variant Classification Criteria 13 December 2019. Collection method: clinical testing. Allele origin: germline.
Comment: This variant was observed in the ICSL laboratory as part of a predisposition screen in an ostensibly healthy population. It had not been previously curated by ICSL or reported in the Human Gene Mutation Database (HGMD: prior to June 1st, 2018), and was therefore a candidate for classification through an automated scoring system. Utilizing variant allele frequency, disease prevalence and penetrance estimates, and inheritance mode, an automated score was calculated to assess if this variant is too frequent to cause the disease. Based on the score and internal cut-off values, a variant classified as benign is not then subjected to further curation. The score for this variant resulted in a classification of benign for this disease.

Breakthrough Genomics
Classification: Benign. Review status: criteria provided, single submitter. Criteria: ACMG Guidelines, 2015. Collection method: not provided. Allele origin: germline. Inheritance: Autosomal dominant inheritance. Affected: yes.

NM_145068.4(TRPV3):c.1503+15C>T

Gene: TRPV3 (transient receptor potential cation channel subfamily V member 3; minus strand). Cytogenetic location: 17p13.2.
Variant type: single nucleotide variant.
Coding change: c.1503+15C>T on transcript NM_145068.4 (MANE Select); 15 bases into the intron after coding-DNA position 1503, C replaced by T.
Molecular consequence: intron variant.
Genome position (GRCh38, 1-based): chr17:3,528,010, G>A on the plus strand (C>T on the coding strand, the complement: TRPV3 is on the minus strand). VCF-style: chr17-3528010-G-A. GRCh37 (hg19) VCF-style: chr17-3431304-G-A.
Other names: c.1503+15C>T (NM_001258205.2).
Identifiers: ClinVar variation 322767 (VCV000322767.6), dbSNP rs369415284, ClinGen allele CA8289437.